The following is an entry in ClinVar:

ClinVar aggregate classification (germline): Likely pathogenic (1 of 4 stars; one submission).

Conditions:
Neurodevelopmental disorder with hypotonia, stereotypic hand movements, and impaired language. Also called: Intellectual disability, autosomal dominant 20. Identifiers: Orphanet 228384, Orphanet 664410, MedGen C3150700, MONDO:0013266, OMIM 613443.

Submission:

3billion
Classification: Likely pathogenic for Neurodevelopmental disorder with hypotonia, stereotypic hand movements, and impaired language. Last evaluated: 2024-06-18. Review status: criteria provided, single submitter. Criteria: ACMG Guidelines, 2015. Collection method: clinical testing. Allele origin: germline. Affected: yes.
Comment: The variant is not observed in the gnomAD v4.0.0 dataset. Predicted Consequence/Location: Frameshift: predicted to result in a loss or disruption of normal protein function through nonsense-mediated decay (NMD) or protein truncation. Multiple pathogenic variants are reported downstream of the variant. Therefore, this variant is classified as Likely pathogenic according to the recommendation of ACMG/AMP guideline.

NM_002397.5(MEF2C):c.154_158del (p.Asn52fs)

Gene: MEF2C (myocyte enhancer factor 2C; minus strand). Cytogenetic location: 5q14.3.
Variant type: Deletion.
Coding change: c.154_158del on transcript NM_002397.5 (MANE Select); coding-DNA positions 154 to 158, 5 bases deleted (AACAA; older notation c.154_158delAACAA).
Protein change: p.Asn52fs; shifts the reading frame from asparagine 52.
Molecular consequence: frameshift variant.
Genome position (GRCh38, 1-based): chr5:88,804,698-88,804,702, TTGTT deleted on the plus strand (AACAA on the coding strand, the reverse complement: MEF2C is on the minus strand). VCF-style (leftmost placement, unchanged base first): chr5-88804697-CTTGTT-C. GRCh37 (hg19) VCF-style: chr5-88100514-CTTGTT-C.
Other names: c.154_158del, p.Asn52fs (NM_001364334.2, NM_001364335.2, NM_001364336.2 and 29 more transcripts); short protein forms N52fs.
Identifiers: ClinVar variation 4291874 (VCV004291874.1).